The following is an entry in ClinVar:

ClinVar aggregate classification (germline): Uncertain significance (1 of 4 stars; one submission).

Submission:

Labcorp Genetics (formerly Invitae), Labcorp
Classification: Uncertain significance. Last evaluated: 2025-09-03. Review status: criteria provided, single submitter. Criteria: Invitae Variant Classification Sherloc (09022015). Collection method: clinical testing. Allele origin: germline.
Comment: This sequence change creates a premature translational stop signal (p.Asp1480Valfs*12) in the NIN gene. It is expected to result in an absent or disrupted protein product. However, the current clinical and genetic evidence is not sufficient to establish whether loss-of-function variants in NIN cause disease. This variant is not present in population databases (gnomAD no frequency). This variant has not been reported in the literature in individuals affected with NIN-related conditions. Algorithms developed to predict the effect of sequence changes on RNA splicing suggest that this variant may disrupt the consensus splice site. In summary, the available evidence is currently insufficient to determine the role of this variant in disease. Therefore, it has been classified as a Variant of Uncertain Significance.

NM_020921.4(NIN):c.4439del (p.Asp1480fs)

Gene: NIN (ninein; minus strand). Cytogenetic location: 14q22.1.
Variant type: Deletion.
Coding change: c.4439del on transcript NM_020921.4 (MANE Select); coding-DNA position 4439, one base deleted (A; older notation c.4439delA).
Protein change: p.Asp1480fs; shifts the reading frame from aspartic acid 1480.
Molecular consequence: frameshift variant. On other transcripts: intron variant (1).
Genome position (GRCh38, 1-based): chr14:50,756,591, T deleted on the plus strand (A on the coding strand, the reverse complement: NIN is on the minus strand). VCF-style (leftmost placement, unchanged base first): chr14-50756590-AT-A. GRCh37 (hg19) VCF-style: chr14-51223308-AT-A.
Other names: c.4439del, p.Asp1480fs (NM_182944.3, NM_182946.2); c.2400-1724del (NM_016350.5); short protein forms D1480fs.
Identifiers: ClinVar variation 4726235 (VCV004726235.1).